The following is an entry in ClinVar:

ClinVar aggregate classification (germline): Likely benign. Review status: criteria provided, multiple submitters, no conflicts (2 of 4 stars). 2 submissions from 2 submitters: Likely benign (2). Last evaluated 2025-03-29.

Allele frequency attached by ClinVar (database versions not stated): gnomAD exomes below 0.00001; ExAC 0.00001; TOPMed 0.00001; gnomAD 0.00002.
gnomAD v4.1: 9 of 1,613,930 alleles (0.00056%); highest among the groups gnomAD compares: Admixed American, 0.0033%; no homozygotes.

Submissions (2):

Labcorp Genetics (formerly Invitae), Labcorp
Classification: Likely benign. Last evaluated: 2025-03-29. Review status: criteria provided, single submitter. Criteria: Invitae Variant Classification Sherloc (09022015). Collection method: clinical testing. Allele origin: germline.

CeGaT Center for Human Genetics Tuebingen
Classification: Likely benign. Last evaluated: 2022-07-01. Review status: criteria provided, single submitter. Criteria: CeGaT Center For Human Genetics Tuebingen Variant Classification Criteria Version 2. Collection method: clinical testing. Allele origin: germline. Affected: yes. Observed: 1 variant allele.
Comment: SETD5: BP4, BP7

NM_001080517.3(SETD5):c.1710T>C (p.Ser570=)

Gene: SETD5 (SET domain containing 5; plus strand). Cytogenetic location: 3p25.3.
Variant type: single nucleotide variant.
Coding change: c.1710T>C on transcript NM_001080517.3 (MANE Select); coding-DNA position 1710, T replaced by C.
Protein change: p.Ser570=; no amino-acid change (serine 570 retained).
Molecular consequence: synonymous variant.
Genome position (GRCh38, 1-based): chr3:9,447,235, T>C. VCF-style: chr3-9447235-T-C. GRCh37 (hg19) VCF-style: chr3-9488919-T-C.
Other names: c.1416T>C, p.Ser472= (NM_001349451.2, NM_001292043.2).
Identifiers: ClinVar variation 761066 (VCV000761066.30), dbSNP rs769555032, ClinGen allele CA2239269.